The following is an entry in ClinVar:

ClinVar aggregate classification (germline): Uncertain significance (1 of 4 stars; one submission).

Conditions:
Lysinuric protein intolerance (LPI). Identifiers: Orphanet 470, MedGen C0268647, MONDO:0009109, OMIM 222700.

Allele frequency attached by ClinVar (database versions not stated): gnomAD exomes 0.00002; TOPMed 0.00003.
gnomAD v4.1: 12 of 1,613,840 alleles (0.00074%); highest among the groups gnomAD compares: African/African-American, 0.0053%; no homozygotes.

Submission:

Labcorp Genetics (formerly Invitae), Labcorp
Classification: Uncertain significance for Lysinuric protein intolerance. Last evaluated: 2021-09-02. Review status: criteria provided, single submitter. Criteria: Invitae Variant Classification Sherloc (09022015). Collection method: clinical testing. Allele origin: germline.
Comment: This sequence change replaces tyrosine with phenylalanine at codon 90 of the SLC7A7 protein (p.Tyr90Phe). The tyrosine residue is highly conserved and there is a small physicochemical difference between tyrosine and phenylalanine. This variant is present in population databases (rs375791337, ExAC 0.01%). This variant has not been reported in the literature in individuals affected with SLC7A7-related conditions. Algorithms developed to predict the effect of missense changes on protein structure and function are either unavailable or do not agree on the potential impact of this missense change (SIFT: "Tolerated"; PolyPhen-2: "Probably Damaging"; Align-GVGD: "Class C0"). In summary, the available evidence is currently insufficient to determine the role of this variant in disease. Therefore, it has been classified as a Variant of Uncertain Significance.

NM_003982.4(SLC7A7):c.269A>T (p.Tyr90Phe)

Gene: SLC7A7 (solute carrier family 7 member 7; minus strand). Cytogenetic location: 14q11.2.
Variant type: single nucleotide variant.
Coding change: c.269A>T on transcript NM_003982.4 (MANE Select); coding-DNA position 269, A replaced by T.
Protein change: p.Tyr90Phe; replaces tyrosine 90 with phenylalanine.
Molecular consequence: missense variant.
Genome position (GRCh38, 1-based): chr14:22,813,130, T>A on the plus strand (A>T on the coding strand, the complement: SLC7A7 is on the minus strand). VCF-style: chr14-22813130-T-A. GRCh37 (hg19) VCF-style: chr14-23282339-T-A.
Other names: c.269A>T, p.Tyr90Phe (NM_001126105.3, NM_001126106.4); short protein forms Y90F.
Identifiers: ClinVar variation 938553 (VCV000938553.7), dbSNP rs375791337, ClinGen allele CA7104738.